The following is an entry in ClinVar:

ClinVar aggregate classification (germline): Uncertain significance (1 of 4 stars; one submission).

Conditions:
Inborn genetic diseases. Identifiers: MedGen C0950123, MeSH D030342.

Submission:

Ambry Genetics
Classification: Uncertain significance for Inborn genetic diseases. Last evaluated: 2025-09-10. Review status: criteria provided, single submitter. Criteria: Ambry Variant Classification Scheme 2023. Collection method: clinical testing. Allele origin: germline.
Comment: The p.L723V variant (also known as c.2167C>G), located in coding exon 24 of the FANCA gene, results from a C to G substitution at nucleotide position 2167. The leucine at codon 723 is replaced by valine, an amino acid with highly similar properties. This amino acid position is conserved. In addition, this alteration is predicted to be deleterious by in silico analysis. Based on the available evidence, the clinical significance of this variant remains unclear.

NM_000135.4(FANCA):c.2167C>G (p.Leu723Val)

Gene: FANCA (FA complementation group A; minus strand). Cytogenetic location: 16q24.3.
Variant type: single nucleotide variant.
Coding change: c.2167C>G on transcript NM_000135.4 (MANE Select); coding-DNA position 2167, C replaced by G.
Protein change: p.Leu723Val; replaces leucine 723 with valine.
Molecular consequence: missense variant.
Genome position (GRCh38, 1-based): chr16:89,770,619, G>C on the plus strand (C>G on the coding strand, the complement: FANCA is on the minus strand). VCF-style: chr16-89770619-G-C. GRCh37 (hg19) VCF-style: chr16-89837027-G-C.
Other names: c.2167C>G, p.Leu723Val (NM_001286167.3); short protein forms L723V.
Identifiers: ClinVar variation 4254345 (VCV004254345.1).